The following is an entry in ClinVar:

NM_005826.5(HNRNPR):c.923G>A (p.Arg308Gln)

Gene: HNRNPR (heterogeneous nuclear ribonucleoprotein R; minus strand). Cytogenetic location: 1p36.12.
Variant type: single nucleotide variant.
Coding change: c.923G>A on transcript NM_005826.5 (MANE Select); coding-DNA position 923, G replaced by A.
Protein change: p.Arg308Gln; replaces arginine 308 with glutamine.
Molecular consequence: missense variant.
Genome position (GRCh38, 1-based): chr1:23,318,577, C>T on the plus strand (G>A on the coding strand, the complement: HNRNPR is on the minus strand). VCF-style: chr1-23318577-C-T. GRCh37 (hg19) VCF-style: chr1-23645070-C-T.
Other names: c.620G>A, p.Arg207Gln (NM_001102397.3); c.932G>A, p.Arg311Gln (NM_001102398.3); c.629G>A, p.Arg210Gln (NM_001102399.3); c.809G>A, p.Arg270Gln (NM_001297620.2); c.443G>A, p.Arg148Gln (NM_001297621.2); c.506G>A, p.Arg169Gln (NM_001297622.2); c.746G>A, p.Arg249Gln (NM_001437727.1); c.923G>A, p.Arg308Gln (NM_001438564.1); short protein forms R148Q, R169Q, R308Q, R311Q, R207Q, R210Q, R249Q, R270Q.
Identifiers: ClinVar variation 5022682 (VCV005022682.1).
Genomic context (GRCh38, chr1:23,318,577, plus strand): 5'-GGGTCAGCCCATTCAACTGTAACTACATTTCCCCACACTTTTACTTTTCCACTCATCAGC[C>T]GGCGTCTGGCTTGTGCTGCTGACTTGTGATCCTCATATTCAAGGAAGCAGAACCCCCGAT-3'
Protein context (NP_005817.1, residues 298-318): DHKSAAQARR[Arg308Gln]LMSGKVKVWG

ClinVar aggregate classification (germline): Uncertain significance (1 of 4 stars; one submission).

Conditions:
Inborn genetic diseases. Identifiers: MedGen C0950123, MeSH D030342.

gnomAD v4.1: 3 of 1,614,168 alleles (0.00019%); highest among the groups gnomAD compares: Admixed American, 0.0017%; no homozygotes.

Submission:

Ambry Genetics
Classification: Uncertain significance for Inborn genetic diseases. Last evaluated: 2026-08-12. Review status: criteria provided, single submitter. Criteria: Ambry Variant Classification Scheme 2023. Collection method: clinical testing. Allele origin: germline.
Comment: The c.932G>A (p.R311Q) alteration is located in exon 8 (coding exon 7) of the HNRNPR gene. This alteration results from a G to A substitution at nucleotide position 932, causing the arginine (R) at amino acid position 311 to be replaced by a glutamine (Q). Based on data from gnomAD, the A allele has an overall frequency of <0.001% (1/251476) total alleles studied. The highest observed frequency was 0.003% (1/34592) of Latino alleles. Based on insufficient or conflicting evidence, the clinical significance of this alteration remains unclear.